The following is an entry in ClinVar:

ClinVar aggregate classification (germline): Uncertain significance (1 of 4 stars; one submission).

Conditions:
Familial melanoma. Also called: Hereditary melanoma; Hereditary cutaneous melanoma. Identifiers: Orphanet 618, MedGen C1512419, MONDO:0018961.

Submission:

Labcorp Genetics (formerly Invitae), Labcorp
Classification: Uncertain significance for Familial melanoma. Last evaluated: 2021-02-10. Review status: criteria provided, single submitter. Criteria: Invitae Variant Classification Sherloc (09022015). Collection method: clinical testing. Allele origin: germline.
Comment: This sequence change replaces serine with alanine at codon 12 of the CDKN2A (p16INK4a) protein (p.Ser12Ala). The serine residue is weakly conserved and there is a moderate physicochemical difference between serine and alanine. This variant is not present in population databases (ExAC no frequency). This variant has not been reported in the literature in individuals with CDKN2A (p16INK4a)-related conditions. Algorithms developed to predict the effect of missense changes on protein structure and function output the following: SIFT: "Tolerated"; PolyPhen-2: "Benign"; Align-GVGD: "Class C0". The alanine amino acid residue is found in multiple mammalian species, suggesting that this missense change does not adversely affect protein function. These predictions have not been confirmed by published functional studies and their clinical significance is uncertain. In summary, the available evidence is currently insufficient to determine the role of this variant in disease. Therefore, it has been classified as a Variant of Uncertain Significance.

NM_000077.5(CDKN2A):c.34T>G (p.Ser12Ala)

Gene: CDKN2A (cyclin dependent kinase inhibitor 2A; minus strand). Cytogenetic location: 9p21.3.
Variant type: single nucleotide variant.
Coding change: c.34T>G on transcript NM_000077.5; coding-DNA position 34, T replaced by G.
Protein change: p.Ser12Ala; replaces serine 12 with alanine.
Molecular consequence: missense variant (on NM_000077.6). On other transcripts: intron variant (2).
Genome position (GRCh38, 1-based): chr9:21,974,794, A>C on the plus strand (T>G on the coding strand, the complement: CDKN2A is on the minus strand). VCF-style: chr9-21974794-A-C. GRCh37 (hg19) VCF-style: chr9-21974793-A-C.
Other names: c.34T>G, p.Ser12Ala (NM_000077.6, NM_001195132.2, NM_058197.5); c.-3-3586T>G (NM_001363763.2); c.194-3586T>G (NM_058195.4); short protein forms S12A.
Identifiers: ClinVar variation 1507985 (VCV001507985.8), dbSNP rs2131113779, ClinGen allele CA373086675.